The following is an entry in ClinVar:

ClinVar aggregate classification (germline): Pathogenic. Review status: criteria provided, multiple submitters, no conflicts (2 of 4 stars). 2 submissions from 2 submitters: Pathogenic (2). Last evaluated 2026-07-01.

Conditions:
Glycogen storage disease, type II (IOPD). Also called: CARDIOMEGALIA GLYCOGENICA DIFFUSA; GLYCOGENOSIS, GENERALIZED, CARDIAC FORM; GSD II; POMPE DISEASE, INFANTILE-ONSET; GLYCOGEN STORAGE DISEASE II, INFANTILE-ONSET; ACID ALPHA-GLUCOSIDASE DEFICIENCY, INFANTILE-ONSET. Identifiers: Orphanet 365, MedGen C0017921, MONDO:0009290, OMIM 232300.

Submissions (2):

Genomenon, Inc
Classification: Pathogenic for Glycogen storage disease, type II. Last evaluated: 2026-07-01. Review status: criteria provided, single submitter. Criteria: Genomenon Sequence Variant Interpretation Standards - Updated. Collection method: curation. Allele origin: germline. Affected: yes.
Comment: GAA p.Gln663SerfsTer33 (c.1987del) is a frameshift variant that is predicted to introduce a premature termination codon and result in a truncated or absent protein product. This variant has been observed in at least one proband with a GAA-related disorder (PMID:38958145;33977031;24399866). It is absent or not present at a significant frequency in gnomAD. In conclusion, we classify GAA p.Gln663SerfsTer33 (c.1987del) as a pathogenic variant.

Labcorp Genetics (formerly Invitae), Labcorp
Classification: Pathogenic for Glycogen storage disease, type II. Last evaluated: 2025-10-21. Review status: criteria provided, single submitter. Criteria: Invitae Variant Classification Sherloc (09022015). Collection method: clinical testing. Allele origin: germline.
Comment: This sequence change creates a premature translational stop signal (p.Gln663Serfs*33) in the GAA gene. It is expected to result in an absent or disrupted protein product. Loss-of-function variants in GAA are known to be pathogenic (PMID: 18425781, 22252923). This variant is not present in population databases (gnomAD no frequency). This premature translational stop signal has been observed in individual(s) with early-onset Pompe disease (PMID: 24399866). ClinVar contains an entry for this variant (Variation ID: 1454730). For these reasons, this variant has been classified as Pathogenic.

Literature cited by the submitters: PubMed 38958145 (cited by Genomenon, Inc); PubMed 33977031 (cited by Genomenon, Inc); PubMed 24399866 (cited by Genomenon, Inc and Labcorp Genetics (formerly Invitae), Labcorp); PubMed 18425781 (cited by Labcorp Genetics (formerly Invitae), Labcorp); PubMed 22252923 (cited by Labcorp Genetics (formerly Invitae), Labcorp).

NM_000152.5(GAA):c.1987del (p.Gln663fs)

Gene: GAA (alpha glucosidase; plus strand). Cytogenetic location: 17q25.3.
Variant type: Deletion.
Coding change: c.1987del on transcript NM_000152.5 (MANE Select); coding-DNA position 1987, one base deleted (C; older notation c.1987delC).
Protein change: p.Gln663fs; shifts the reading frame from glutamine 663.
Molecular consequence: frameshift variant.
Genome position (GRCh38, 1-based): chr17:80,112,974, C deleted; the last of 3 consecutive C bases (chr17:80,112,972-80,112,974); deleting any one gives the same sequence. VCF-style (leftmost placement, unchanged base first): chr17-80112971-AC-A. GRCh37 (hg19) VCF-style: chr17-78086770-AC-A.
Other names: c.1987del, p.Gln663fs (NM_001079803.3, NM_001079804.3); short protein forms Q663fs.
Identifiers: ClinVar variation 1454730 (VCV001454730.7), dbSNP rs2143892615, ClinGen allele CA658795269.